The following is an entry in ClinVar:

ClinVar aggregate classification (germline): Uncertain significance. Review status: criteria provided, multiple submitters, no conflicts (2 of 4 stars). 2 submissions from 2 submitters: Uncertain significance (2). Last evaluated 2024-03-19.

Conditions:
TNF receptor-associated periodic fever syndrome (TRAPS) (FPF). Also called: TNF RECEPTOR-ASSOCIATED PERIODIC SYNDROME; TUMOR NECROSIS FACTOR RECEPTOR-ASSOCIATED PERIODIC SYNDROME; FAMILIAL HIBERNIAN FEVER; TNF receptor 1-associated periodic fever syndrome; TNF Receptor-Associated Periodic Fever Syndrome; Autosomal Dominant Familial Periodic Fever. Identifiers: Orphanet 32960, MedGen C1275126, MONDO:0007727, OMIM 142680.
Inborn genetic diseases. Identifiers: MedGen C0950123, MeSH D030342.

Allele frequency attached by ClinVar (database versions not stated): gnomAD exomes below 0.00001; gnomAD 0.00003.
gnomAD v4.1: 7 of 1,589,854 alleles (0.00044%); highest among the groups gnomAD compares: African/African-American, 0.0054%; no homozygotes.

Submissions (2):

Ambry Genetics
Classification: Uncertain significance for Inborn genetic diseases. Last evaluated: 2024-03-19. Review status: criteria provided, single submitter. Criteria: Ambry Variant Classification Scheme 2023. Collection method: clinical testing. Allele origin: germline.

Labcorp Genetics (formerly Invitae), Labcorp
Classification: Uncertain significance for TNF receptor-associated periodic fever syndrome (TRAPS). Last evaluated: 2019-11-21. Review status: criteria provided, single submitter. Criteria: Invitae Variant Classification Sherloc (09022015). Collection method: clinical testing. Allele origin: germline.
Comment: In summary, the available evidence is currently insufficient to determine the role of this variant in disease. Therefore, it has been classified as a Variant of Uncertain Significance. Algorithms developed to predict the effect of sequence changes on RNA splicing suggest that this variant may create or strengthen a splice site, but this prediction has not been confirmed by published transcriptional studies. This sequence change replaces arginine with tryptophan at codon 409 of the TNFRSF1A protein (p.Arg409Trp). The arginine residue is weakly conserved and there is a moderate physicochemical difference between arginine and tryptophan. This variant is not present in population databases (ExAC no frequency). This variant has not been reported in the literature in individuals with TNFRSF1A-related conditions. Algorithms developed to predict the effect of missense changes on protein structure and function are either unavailable or do not agree on the potential impact of this missense change (SIFT: "Deleterious"; PolyPhen-2: "Probably Damaging"; Align-GVGD: "Class C0").

NM_001065.4(TNFRSF1A):c.1225C>T (p.Arg409Trp)

Gene: TNFRSF1A (TNF receptor superfamily member 1A; minus strand). Cytogenetic location: 12p13.31.
Variant type: single nucleotide variant.
Coding change: c.1225C>T on transcript NM_001065.4 (MANE Select); coding-DNA position 1225, C replaced by T.
Protein change: p.Arg409Trp; replaces arginine 409 with tryptophan.
Molecular consequence: missense variant. On other transcripts: non-coding transcript variant (1).
Genome position (GRCh38, 1-based): chr12:6,329,455, G>A on the plus strand (C>T on the coding strand, the complement: TNFRSF1A is on the minus strand). VCF-style: chr12-6329455-G-A. GRCh37 (hg19) VCF-style: chr12-6438621-G-A.
Other names: c.901C>T, p.Arg301Trp (NM_001346091.2); c.766C>T, p.Arg256Trp (NM_001346092.2); short protein forms R301W, R256W, R409W.
Identifiers: ClinVar variation 845004 (VCV000845004.10), dbSNP rs1163833048, ClinGen allele CA383544739.
Genomic context (GRCh38, chr12:6,329,455, plus strand): 5'-CCATGTCGCGGAGCACGCGTCCCAGCAGCTCCAGCGTGGCCTCGCGCCGCGGCGTGCGCC[G>A]CCTCCAGGTCGCCAGCATGCTGTATTGCGCCTCGCGCAGGCAGCGCCCGTTCTGCAGCTC-3'
Protein context (NP_001056.1, residues 399-419): AQYSMLATWR[Arg409Trp]RTPRREATLE